The following is an entry in ClinVar:

ClinVar aggregate classification (germline): Uncertain significance (1 of 4 stars; one submission).

Conditions:
Meckel-Gruber syndrome. Also called: DYSENCEPHALIA SPLANCHNOCYSTICA; GRUBER SYNDROME; Dysencephalia splachnocystica. Identifiers: Orphanet 564, MedGen C0265215, MONDO:0018921.
Nephronophthisis. Also called: Juvenile Nephronophthisis. Identifiers: Orphanet 655, MedGen C0687120, MONDO:0019005, HP:0000090.
Joubert syndrome. Also called: CEREBELLOPARENCHYMAL DISORDER IV; JOUBERT-BOLTSHAUSER SYNDROME; Familial aplasia of the vermis. Identifiers: Orphanet 475, MedGen C5979921, MONDO:0018772.

Submission:

Labcorp Genetics (formerly Invitae), Labcorp
Classification: Uncertain significance for Joubert syndrome; Meckel-Gruber syndrome; Nephronophthisis. Last evaluated: 2022-03-19. Review status: criteria provided, single submitter. Criteria: Invitae Variant Classification Sherloc (09022015). Collection method: clinical testing. Allele origin: germline.
Comment: This variant has not been reported in the literature in individuals affected with CEP290-related conditions. ClinVar contains an entry for this variant (Variation ID: 835643). Experimental studies and prediction algorithms are not available or were not evaluated, and the functional significance of this variant is currently unknown. In summary, the available evidence is currently insufficient to determine the role of this variant in disease. Therefore, it has been classified as a Variant of Uncertain Significance. This variant is not present in population databases (gnomAD no frequency). This variant, c.758_760del, results in the deletion of 1 amino acid(s) of the CEP290 protein (p.Met253del), but otherwise preserves the integrity of the reading frame.

NM_025114.4(CEP290):c.758_760del (p.Met253del)

Gene: CEP290 (centrosomal protein 290; minus strand). Cytogenetic location: 12q21.32.
Variant type: Deletion.
Coding change: c.758_760del on transcript NM_025114.4 (MANE Select); coding-DNA positions 758 to 760, 3 bases deleted (TGA; older notation c.758_760delTGA).
Protein change: p.Met253del; deletes methionine 253.
Molecular consequence: inframe deletion.
Genome position (GRCh38, 1-based): chr12:88,129,786-88,129,788, TCA deleted on the plus strand (TGA on the coding strand, the reverse complement: CEP290 is on the minus strand); deleting any 3 consecutive bases within chr12:88,129,786-88,129,790 gives the same sequence; the c. name uses the placement nearest the transcript's 3' end. VCF-style (leftmost placement, unchanged base first): chr12-88129785-GTCA-G. GRCh37 (hg19) VCF-style: chr12-88523562-GTCA-G.
Other names: short protein forms M253del.
Identifiers: ClinVar variation 835643 (VCV000835643.13), dbSNP rs2039956756, ClinGen allele CA916083324.